The following is an entry in ClinVar:

NM_006269.2(RP1):c.5321C>T (p.Thr1774Ile)

Genes: RP1 (RP1 axonemal microtubule associated; plus strand), LOC126860392 (CDK7 strongly-dependent group 2 enhancer GRCh37_chr8:55541319-55542518; plus strand). Cytogenetic location: 8q12.1.
Variant type: single nucleotide variant.
Coding change: c.5321C>T on transcript NM_006269.2 (MANE Select); coding-DNA position 5321, C replaced by T.
Protein change: p.Thr1774Ile; replaces threonine 1774 with isoleucine.
Molecular consequence: missense variant. On other transcripts: intron variant (1).
Genome position (GRCh38, 1-based): chr8:54,629,203, C>T. VCF-style: chr8-54629203-C-T. GRCh37 (hg19) VCF-style: chr8-55541763-C-T.
Other names: c.787+6915C>T (NM_001375654.1); c.5321C>T (NM_006269.1); short protein forms T1774I.
Identifiers: ClinVar variation 1917839 (VCV001917839.7), dbSNP rs138117956, ClinGen allele CA4752043.

ClinVar aggregate classification (germline): Uncertain significance. Review status: criteria provided, multiple submitters, no conflicts (2 of 4 stars). 3 submissions from 3 submitters: Uncertain significance (3). Last evaluated 2025-04-28.

Conditions:
RP1-related disorder. Also called: RP1-related condition.

Allele frequency attached by ClinVar (database versions not stated): gnomAD 0.00002; ExAC 0.00004; ESP Exome Variant Server 0.00008.
gnomAD v4.1: 38 of 1,613,974 alleles (0.0024%); highest among the groups gnomAD compares: Admixed American, 0.0067%; no homozygotes.

Submissions (3):

PreventionGenetics, part of Exact Sciences
Classification: Uncertain significance for RP1-related condition. Last evaluated: 2025-04-28. Review status: criteria provided, single submitter. Criteria: ACMG Guidelines, 2015. Collection method: clinical testing. Allele origin: germline.
Comment: The RP1 c.5321C>T variant is predicted to result in the amino acid substitution p.Thr1774Ile. This variant was reported in an individual with retinitis pigmentosa (supplementary data, Gao et al. 2019. PubMed ID: 31054281). This variant is reported in 0.012% of alleles in individuals of Latino descent in gnomAD. At this time, the clinical significance of this variant is uncertain due to the absence of conclusive functional and genetic evidence.

Labcorp Genetics (formerly Invitae), Labcorp
Classification: Uncertain significance. Last evaluated: 2025-01-06. Review status: criteria provided, single submitter. Criteria: Invitae Variant Classification Sherloc (09022015). Collection method: clinical testing. Allele origin: germline.
Comment: This sequence change replaces threonine, which is neutral and polar, with isoleucine, which is neutral and non-polar, at codon 1774 of the RP1 protein (p.Thr1774Ile). This variant is present in population databases (rs138117956, gnomAD 0.01%). This missense change has been observed in individual(s) with retinitis pigmentosa (PMID: 31054281). ClinVar contains an entry for this variant (Variation ID: 1917839). An algorithm developed to predict the effect of missense changes on protein structure and function (PolyPhen-2) suggests that this variant is likely to be disruptive. In summary, the available evidence is currently insufficient to determine the role of this variant in disease. Therefore, it has been classified as a Variant of Uncertain Significance.

Blueprint Genetics
Classification: Uncertain significance. Last evaluated: 2022-11-19. Review status: criteria provided, single submitter. Criteria: ACMG Guidelines, 2015. Collection method: clinical testing. Allele origin: germline.

Literature cited by the submitters: PubMed 31054281 (cited by Labcorp Genetics (formerly Invitae), Labcorp).